The following is an entry in ClinVar:

ClinVar aggregate classification (germline): Uncertain significance. Review status: criteria provided, multiple submitters, no conflicts (2 of 4 stars). 3 submissions from 3 submitters: Uncertain significance (3). Last evaluated 2026-01-13.

Conditions:
Hereditary cancer-predisposing syndrome. Also called: Neoplastic Syndromes, Hereditary; Tumor predisposition; Hereditary Cancer Syndrome; Hereditary neoplastic syndrome. Identifiers: Orphanet 140162, MedGen C0027672, MeSH D009386, MONDO:0015356.

Allele frequency attached by ClinVar (database versions not stated): TOPMed below 0.00001; gnomAD 0.00002.
gnomAD v4.1: 3 of 1,613,762 alleles (0.00019%); highest among the groups gnomAD compares: African/African-American, 0.004%; no homozygotes.

Submissions (3):

Ambry Genetics
Classification: Uncertain significance for Hereditary cancer-predisposing syndrome. Last evaluated: 2026-01-13. Review status: criteria provided, single submitter. Criteria: Ambry Variant Classification Scheme 2023. Collection method: clinical testing. Allele origin: germline.
Comment: The p.E438K variant (also known as c.1312G>A), located in coding exon 13 of the POLE gene, results from a G to A substitution at nucleotide position 1312. The glutamic acid at codon 438 is replaced by lysine, an amino acid with similar properties. This amino acid position is highly conserved in available vertebrate species. In addition, the in silico prediction for this alteration is inconclusive. Since supporting evidence is limited at this time, the clinical significance of this alteration remains unclear.

Labcorp Genetics (formerly Invitae), Labcorp
Classification: Uncertain significance. Last evaluated: 2025-07-24. Review status: criteria provided, single submitter. Criteria: Invitae Variant Classification Sherloc (09022015). Collection method: clinical testing. Allele origin: germline.
Comment: This sequence change replaces glutamic acid, which is acidic and polar, with lysine, which is basic and polar, at codon 438 of the POLE protein (p.Glu438Lys). This variant is present in population databases (no rsID available, gnomAD 0.02%). This variant has not been reported in the literature in individuals affected with POLE-related conditions. ClinVar contains an entry for this variant (Variation ID: 1463617). Invitae Evidence Modeling of protein sequence and biophysical properties (such as structural, functional, and spatial information, amino acid conservation, physicochemical variation, residue mobility, and thermodynamic stability) indicates that this missense variant is expected to disrupt POLE protein function with a positive predictive value of 80%. In summary, the available evidence is currently insufficient to determine the role of this variant in disease. Therefore, it has been classified as a Variant of Uncertain Significance.

GeneDx
Classification: Uncertain significance. Last evaluated: 2022-12-29. Review status: criteria provided, single submitter. Criteria: GeneDx Variant Classification Process June 2021. Collection method: clinical testing. Allele origin: germline. Affected: yes.
Comment: In silico analysis supports that this missense variant has a deleterious effect on protein structure/function; Has not been previously published as pathogenic or benign to our knowledge; This variant is associated with the following publications: (PMID: 20951805, 11988770)

NM_006231.4(POLE):c.1312G>A (p.Glu438Lys)

Gene: POLE (DNA polymerase epsilon, catalytic subunit; minus strand). Cytogenetic location: 12q24.33.
Variant type: single nucleotide variant.
Coding change: c.1312G>A on transcript NM_006231.4 (MANE Select); coding-DNA position 1312, G replaced by A.
Protein change: p.Glu438Lys; replaces glutamic acid 438 with lysine.
Molecular consequence: missense variant.
Genome position (GRCh38, 1-based): chr12:132,673,622, C>T on the plus strand (G>A on the coding strand, the complement: POLE is on the minus strand). VCF-style: chr12-132673622-C-T. GRCh37 (hg19) VCF-style: chr12-133250208-C-T.
Other names: short protein forms E438K.
Identifiers: ClinVar variation 1463617 (VCV001463617.12), dbSNP rs1036647345, ClinGen allele CA246294630.